The following is an entry in ClinVar:

NM_000038.6(APC):c.6173G>T (p.Gly2058Val)

Gene: APC (APC regulator of Wnt signaling pathway; plus strand). Cytogenetic location: 5q22.2.
Variant type: single nucleotide variant.
Coding change: c.6173G>T on transcript NM_000038.6 (MANE Select); coding-DNA position 6173, G replaced by T.
Protein change: p.Gly2058Val; replaces glycine 2058 with valine.
Molecular consequence: missense variant.
Genome position (GRCh38, 1-based): chr5:112,841,767, G>T. VCF-style: chr5-112841767-G-T. GRCh37 (hg19) VCF-style: chr5-112177464-G-T.
Other names: c.6173G>T, p.Gly2058Val (NM_001127510.3, NM_001354895.2); c.6119G>T, p.Gly2040Val (NM_001127511.3); c.6227G>T, p.Gly2076Val (NM_001354896.2); c.6203G>T, p.Gly2068Val (NM_001354897.2); c.6098G>T, p.Gly2033Val (NM_001354898.2); c.6089G>T, p.Gly2030Val (NM_001354899.2); c.6050G>T, p.Gly2017Val (NM_001354900.2); c.5996G>T, p.Gly1999Val (NM_001354901.2); and 5 more; short protein forms G1957V, G2030V, G2033V, G2068V, G2076V, G1775V, G1999V, G2017V.
Identifiers: ClinVar variation 1393310 (VCV001393310.11), dbSNP rs150140908, ClinGen allele CA16034851.

ClinVar aggregate classification (germline): Uncertain significance. Review status: criteria provided, multiple submitters, no conflicts (2 of 4 stars). 3 submissions from 3 submitters: Uncertain significance (3). Last evaluated 2025-09-08.

Conditions:
Hereditary cancer-predisposing syndrome. Also called: Neoplastic Syndromes, Hereditary; Hereditary neoplastic syndrome; Tumor predisposition; Hereditary Cancer Syndrome. Identifiers: Orphanet 140162, MedGen C0027672, MeSH D009386, MONDO:0015356.
Familial adenomatous polyposis 1 (FAP1). Also called: FAMILIAL ADENOMATOUS POLYPOSIS 1, ATTENUATED; POLYPOSIS, ADENOMATOUS INTESTINAL. Identifiers: MedGen C2713442, MONDO:0021056, OMIM 175100. Disease mechanism: loss of function.

Submissions (3):

Labcorp Genetics (formerly Invitae), Labcorp
Classification: Uncertain significance for Familial adenomatous polyposis 1. Last evaluated: 2025-09-08. Review status: criteria provided, single submitter. Criteria: Invitae Variant Classification Sherloc (09022015). Collection method: clinical testing. Allele origin: germline.
Comment: This sequence change replaces glycine, which is neutral and non-polar, with valine, which is neutral and non-polar, at codon 2058 of the APC protein (p.Gly2058Val). This variant is not present in population databases (gnomAD no frequency). This variant has not been reported in the literature in individuals affected with APC-related conditions. ClinVar contains an entry for this variant (Variation ID: 1393310). Invitae Evidence Modeling of protein sequence and biophysical properties (such as structural, functional, and spatial information, amino acid conservation, physicochemical variation, residue mobility, and thermodynamic stability) indicates that this missense variant is not expected to disrupt APC protein function with a negative predictive value of 95%. In summary, the available evidence is currently insufficient to determine the role of this variant in disease. Therefore, it has been classified as a Variant of Uncertain Significance.

GeneDx
Classification: Uncertain significance. Last evaluated: 2023-05-23. Review status: criteria provided, single submitter. Criteria: GeneDx Variant Classification Process June 2021. Collection method: clinical testing. Allele origin: germline. Affected: yes.
Comment: Not observed at significant frequency in large population cohorts (gnomAD); In silico analysis supports that this missense variant does not alter protein structure/function; Has not been previously published as pathogenic or benign to our knowledge

Ambry Genetics
Classification: Uncertain significance for Hereditary cancer-predisposing syndrome. Last evaluated: 2021-02-18. Review status: criteria provided, single submitter. Criteria: Ambry Variant Classification Scheme 2023. Collection method: clinical testing. Allele origin: germline.
Comment: The p.G2058V variant (also known as c.6173G>T), located in coding exon 15 of the APC gene, results from a G to T substitution at nucleotide position 6173. The glycine at codon 2058 is replaced by valine, an amino acid with dissimilar properties. This amino acid position is not well conserved in available vertebrate species. In addition, in silico predictors for this gene do not accurately predict pathogenicity. Since supporting evidence is limited at this time, the clinical significance of this alteration remains unclear.